The following is an entry in ClinVar:

NM_006343.3(MERTK):c.1493A>G (p.Asn498Ser)

Gene: MERTK (MER proto-oncogene, tyrosine kinase; plus strand). Cytogenetic location: 2q13.
Variant type: single nucleotide variant.
Coding change: c.1493A>G on transcript NM_006343.3 (MANE Select); coding-DNA position 1493, A replaced by G.
Protein change: p.Asn498Ser; replaces asparagine 498 with serine.
Molecular consequence: missense variant.
Genome position (GRCh38, 1-based): chr2:111,997,365, A>G. VCF-style: chr2-111997365-A-G. GRCh37 (hg19) VCF-style: chr2-112754942-A-G.
Other names: short protein forms N498S.
Identifiers: ClinVar variation 439895 (VCV000439895.21), dbSNP rs35858762, ClinGen allele CA1831446.
Genomic context (GRCh38, chr2:111,997,365, plus strand): 5'-CTATTGGTATCTCACCAGGTTGGGTAGATTATGCCCCCTCTTCAACTCCGGCGCCTGGCA[A>G]CGCAGATCCTGTGCTCATCATCTTTGGCTGCTTTTGTGGATTTATTTTGATTGGGTTGAT-3'
Protein context (NP_006334.2, residues 488-508): YAPSSTPAPG[Asn498Ser]ADPVLIIFGC

ClinVar aggregate classification (germline): Benign. Review status: criteria provided, multiple submitters, no conflicts (2 of 4 stars). 4 submissions from 4 submitters: Benign (4). Last evaluated 2026-01-04.

Conditions:
Retinitis pigmentosa (RP). Identifiers: Orphanet 791, MedGen C0035334, MeSH D012174, MONDO:0019200, OMIM 268000. Inheritance: Autosomal dominant, autosomal recessive and X linked inheritance.
Retinitis pigmentosa 38 (RP38). Also called: ROD-CONE DYSTROPHY, CHILDHOOD-ONSET. Identifiers: Orphanet 791, MedGen C3151228, MONDO:0013469, OMIM 613862.

Allele frequency attached by ClinVar (database versions not stated): ExAC 0.00564; 1000 Genomes Project 0.01857; 1000 Genomes Project 30x 0.01858; gnomAD 0.01861 and 0.02007; TOPMed 0.02142; ESP Exome Variant Server 0.02230; gnomAD exomes 0.00178 and 0.00481.
gnomAD v4.1: 5,527 of 1,614,150 alleles (0.34%); highest among the groups gnomAD compares: African/African-American, 6.4%; 164 homozygotes.

Submissions (4):

Labcorp Genetics (formerly Invitae), Labcorp
Classification: Benign. Last evaluated: 2026-01-04. Review status: criteria provided, single submitter. Criteria: Invitae Variant Classification Sherloc (09022015). Collection method: clinical testing. Allele origin: germline.

ARUP Laboratories, Molecular Genetics and Genomics, ARUP Laboratories
Classification: Benign for Retinitis pigmentosa 38. Last evaluated: 2023-11-22. Review status: criteria provided, single submitter. Criteria: ARUP Molecular Germline Variant Investigation Process 2024. Collection method: clinical testing. Allele origin: germline.

Illumina Laboratory Services, Illumina
Classification: Benign for Retinitis pigmentosa. Last evaluated: 2017-04-27. Review status: criteria provided, single submitter. Criteria: ICSL Variant Classification Criteria 13 December 2019. Collection method: clinical testing. Allele origin: germline.
Comment: This variant was observed as part of a predisposition screen in an ostensibly healthy population. A literature search was performed for the gene, cDNA change, and amino acid change (where applicable). Publications were found based on this search. The evidence from the literature, in combination with allele frequency data from public databases where available, was sufficient to rule this variant out of causing disease. Therefore, this variant is classified as benign.

Breakthrough Genomics
Classification: Benign. Review status: criteria provided, single submitter. Criteria: ACMG Guidelines, 2015. Collection method: not provided. Allele origin: germline. Inheritance: Autosomal recessive inheritance. Affected: yes.

Literature cited by the submitters: PubMed 16714263 (cited by Illumina Laboratory Services, Illumina).